The following is an entry in ClinVar:

NM_004655.4(AXIN2):c.1493C>G (p.Pro498Arg)

Gene: AXIN2 (axin 2; minus strand). Cytogenetic location: 17q24.1.
Variant type: single nucleotide variant.
Coding change: c.1493C>G on transcript NM_004655.4 (MANE Select); coding-DNA position 1493, C replaced by G.
Protein change: p.Pro498Arg; replaces proline 498 with arginine.
Molecular consequence: missense variant.
Genome position (GRCh38, 1-based): chr17:65,537,543, G>C on the plus strand (C>G on the coding strand, the complement: AXIN2 is on the minus strand). VCF-style: chr17-65537543-G-C. GRCh37 (hg19) VCF-style: chr17-63533661-G-C.
Other names: c.1493C>G (LRG_296t1); c.1493C>G, p.Pro498Arg (NM_001363813.1); short protein forms P498R.
Identifiers: ClinVar variation 464554 (VCV000464554.8), dbSNP rs1555577765, ClinGen allele CA400677397.

ClinVar aggregate classification (germline): Uncertain significance (1 of 4 stars; one submission).

Conditions:
Oligodontia-cancer predisposition syndrome. Also called: TOOTH AGENESIS-COLORECTAL CANCER SYNDROME. Identifiers: Orphanet 300576, MedGen C1837750, MONDO:0012075, OMIM 608615. Disease mechanism: loss of function.

Allele frequency attached by ClinVar (database versions not stated): gnomAD exomes below 0.00001.

Submission:

Labcorp Genetics (formerly Invitae), Labcorp
Classification: Uncertain significance for Oligodontia-cancer predisposition syndrome. Last evaluated: 2017-06-16. Review status: criteria provided, single submitter. Criteria: Invitae Variant Classification Sherloc (09022015). Collection method: clinical testing. Allele origin: germline.
Comment: In summary, this variant has uncertain impact on AXIN2 function. The available evidence is currently insufficient to determine its role in disease. Therefore, it has been classified as a Variant of Uncertain Significance. Algorithms developed to predict the effect of missense changes on protein structure and function (SIFT, PolyPhen-2, Align-GVGD) all suggest that this variant is likely to be tolerated, but these predictions have not been confirmed by published functional studies and their clinical significance is uncertain. This variant has not been reported in the literature in individuals with AXIN2-related disease. This variant is not present in population databases (ExAC no frequency). This sequence change replaces proline with arginine at codon 498 of the AXIN2 protein (p.Pro498Arg). The proline residue is weakly conserved and there is a moderate physicochemical difference between proline and arginine.